The following is an entry in ClinVar:

NM_052813.5(CARD9):c.1540G>A (p.Gly514Arg)

Gene: CARD9 (caspase recruitment domain family member 9; minus strand). Cytogenetic location: 9q34.3.
Variant type: single nucleotide variant.
Coding change: c.1540G>A on transcript NM_052813.5 (MANE Select); coding-DNA position 1540, G replaced by A.
Protein change: p.Gly514Arg; replaces glycine 514 with arginine.
Molecular consequence: missense variant. On other transcripts: intron variant (1).
Genome position (GRCh38, 1-based): chr9:136,364,373, C>T on the plus strand (G>A on the coding strand, the complement: CARD9 is on the minus strand). VCF-style: chr9-136364373-C-T. GRCh37 (hg19) VCF-style: chr9-139258825-C-T.
Other names: c.1540G>A (NM_052813.4); c.1441+180G>A (NM_052814.4); short protein forms G514R.
Identifiers: ClinVar variation 1431821 (VCV001431821.6), dbSNP rs766890741, ClinGen allele CA5332586.

ClinVar aggregate classification (germline): Uncertain significance. Review status: criteria provided, multiple submitters, no conflicts (2 of 4 stars). 2 submissions from 2 submitters: Uncertain significance (2). Last evaluated 2024-06-10.

Conditions:
Inborn genetic diseases. Identifiers: MedGen C0950123, MeSH D030342.
Predisposition to invasive fungal disease due to CARD9 deficiency (IMD103). Also called: IMMUNODEFICIENCY 103, SUSCEPTIBILITY TO FUNGAL INFECTIONS; CARD9 IMMUNODEFICIENCY; Candidiasis, familial, 2, autosomal recessive. Identifiers: Orphanet 457088, MedGen C1859353, MONDO:0008905, OMIM 212050.

Allele frequency attached by ClinVar (database versions not stated): gnomAD 0.00001; TOPMed 0.00002; ExAC 0.00028.

Submissions (2):

Ambry Genetics
Classification: Uncertain significance for Inborn genetic diseases. Last evaluated: 2024-06-10. Review status: criteria provided, single submitter. Criteria: Ambry Variant Classification Scheme 2023. Collection method: clinical testing. Allele origin: germline.

Labcorp Genetics (formerly Invitae), Labcorp
Classification: Uncertain significance for Predisposition to invasive fungal disease due to CARD9 deficiency. Last evaluated: 2021-08-24. Review status: criteria provided, single submitter. Criteria: Invitae Variant Classification Sherloc (09022015). Collection method: clinical testing. Allele origin: germline.
Comment: This sequence change replaces glycine with arginine at codon 514 of the CARD9 protein (p.Gly514Arg). The glycine residue is weakly conserved and there is a moderate physicochemical difference between glycine and arginine. This variant is present in population databases (rs766890741, ExAC 0.05%). This variant has not been reported in the literature in individuals affected with CARD9-related conditions. Algorithms developed to predict the effect of missense changes on protein structure and function (SIFT, PolyPhen-2, Align-GVGD) all suggest that this variant is likely to be tolerated. In summary, the available evidence is currently insufficient to determine the role of this variant in disease. Therefore, it has been classified as a Variant of Uncertain Significance.